The following is an entry in ClinVar:

ClinVar aggregate classification (germline): Uncertain significance (1 of 4 stars; one submission).

Conditions:
RYR1-related disorder. Also called: RYR1-related condition; RYR1-related disorders. Identifiers: MedGen CN239331.

Submission:

Labcorp Genetics (formerly Invitae), Labcorp
Classification: Uncertain significance for RYR1-related disorder. Last evaluated: 2022-04-04. Review status: criteria provided, single submitter. Criteria: Invitae Variant Classification Sherloc (09022015). Collection method: clinical testing. Allele origin: germline.
Comment: In summary, the available evidence is currently insufficient to determine the role of this variant in disease. Therefore, it has been classified as a Variant of Uncertain Significance. Experimental studies and prediction algorithms are not available or were not evaluated, and the functional significance of this variant is currently unknown. This variant has not been reported in the literature in individuals affected with RYR1-related conditions. This variant is not present in population databases (gnomAD no frequency). This variant, c.6262_6264del, results in the deletion of 1 amino acid(s) of the RYR1 protein (p.Glu2088del), but otherwise preserves the integrity of the reading frame.

NM_000540.3(RYR1):c.6259GAG[1] (p.Glu2088del)

Gene: RYR1 (ryanodine receptor 1; plus strand). Cytogenetic location: 19q13.2.
Variant type: Microsatellite.
Coding change: c.6259GAG[1] on transcript NM_000540.3 (MANE Select); one copy of the 3-base unit GAG starting at c.6259; the reference has two copies in a row; one copy, 3 bases deleted.
Protein change: p.Glu2088del; deletes glutamic acid 2088.
Molecular consequence: inframe deletion.
Genome position (GRCh38, 1-based): chr19:38,492,624-38,492,626, GAG deleted; deleting any 3 consecutive bases within chr19:38,492,621-38,492,626 gives the same sequence; the position shown is the placement nearest the transcript's 3' end. VCF-style (leftmost placement, unchanged base first): chr19-38492620-AGAG-A. GRCh37 (hg19) VCF-style: chr19-38983260-AGAG-A.
Other names: c.6259GAG[1], p.Glu2088del (NM_001042723.2); short protein forms E2088del.
Identifiers: ClinVar variation 1008520 (VCV001008520.8), dbSNP rs1969604379, ClinGen allele CA2335049328.
Genomic context (GRCh38, chr19:38,492,620, plus strand): 5'-GTTGGAGAAAGTGCGGCTGGTGAAGAAGAAGGAAGAGAAACCTGAGGAGGAGCGGTCAGC[AGAG>A]GAGAGCAAACCCCGTGAGGACTGGGGTCACTGGGGAGAGGGCAGGGGTGGGGTGGGTAGC-3'